The following is an entry in ClinVar:

NM_016138.5(COQ7):c.322C>A (p.Pro108Thr)

Gene: COQ7 (coenzyme Q7, hydroxylase; plus strand). Cytogenetic location: 16p12.3.
Variant type: single nucleotide variant.
Coding change: c.322C>A on transcript NM_016138.5 (MANE Select); coding-DNA position 322, C replaced by A.
Protein change: p.Pro108Thr; replaces proline 108 with threonine.
Molecular consequence: missense variant. On other transcripts: non-coding transcript variant (2).
Genome position (GRCh38, 1-based): chr16:19,073,990, C>A. VCF-style: chr16-19073990-C-A. GRCh37 (hg19) VCF-style: chr16-19085312-C-A.
Other names: c.208C>A, p.Pro70Thr (NM_001190983.2, NM_001370492.1, NM_001370493.1 and 2 more transcripts); c.280C>A, p.Pro94Thr (NM_001370489.1, NM_001370491.1); c.322C>A, p.Pro108Thr (NM_001370490.1); short protein forms P94T, P108T, P70T.
Identifiers: ClinVar variation 1995683 (VCV001995683.4), dbSNP rs1962700540, ClinGen allele CA394920539.
Genomic context (GRCh38, chr16:19,073,990, plus strand): 5'-GATCAAGAAAAGGACCATTTGAAAAAGTTCAATGAGTTGATGGTTACGTTCAGGGTCCGG[C>A]CAACAGTTCTGATGCCCTTGTGGAACGTGCTGGGGTTTGCACTGGGTACGTGTCTCTCTA-3'
Protein context (NP_057222.2, residues 98-118): NELMVTFRVR[Pro108Thr]TVLMPLWNVL

ClinVar aggregate classification (germline): Uncertain significance (1 of 4 stars; one submission).

Allele frequency attached by ClinVar (database versions not stated): gnomAD 0.00001.
gnomAD v4.1: 1 of 1,613,402 alleles (0.000062%); highest among the groups gnomAD compares: South Asian, 0.0011%; no homozygotes.

Submission:

Labcorp Genetics (formerly Invitae), Labcorp
Classification: Uncertain significance. Last evaluated: 2022-08-06. Review status: criteria provided, single submitter. Criteria: Invitae Variant Classification Sherloc (09022015). Collection method: clinical testing. Allele origin: germline.
Comment: This sequence change replaces proline, which is neutral and non-polar, with threonine, which is neutral and polar, at codon 108 of the COQ7 protein (p.Pro108Thr). This variant is not present in population databases (gnomAD no frequency). This variant has not been reported in the literature in individuals affected with COQ7-related conditions. Algorithms developed to predict the effect of missense changes on protein structure and function are either unavailable or do not agree on the potential impact of this missense change (SIFT: "Deleterious"; PolyPhen-2: "Probably Damaging"; Align-GVGD: "Class C0"). In summary, the available evidence is currently insufficient to determine the role of this variant in disease. Therefore, it has been classified as a Variant of Uncertain Significance.